The following is an entry in ClinVar:

NM_001267550.2(TTN):c.57708T>C (p.Tyr19236=)

Genes: TTN (titin; minus strand), TTN-AS1 (TTN antisense RNA 1; plus strand). Cytogenetic location: 2q31.2.
Variant type: single nucleotide variant.
Coding change: c.57708T>C on transcript NM_001267550.2 (MANE Select); coding-DNA position 57708, T replaced by C.
Protein change: p.Tyr19236=; no amino-acid change (tyrosine 19236 retained).
Molecular consequence: synonymous variant.
Genome position (GRCh38, 1-based): chr2:178,595,646, A>G on the plus strand (T>C on the coding strand, the complement: TTN is on the minus strand). VCF-style: chr2-178595646-A-G. GRCh37 (hg19) VCF-style: chr2-179460373-A-G.
Other names: c.30513T>C, p.Tyr10171= (NM_003319.4); c.50004T>C, p.Tyr16668= (NM_133378.4); c.30888T>C, p.Tyr10296= (NM_133432.3); c.31089T>C, p.Tyr10363= (NM_133437.4); c.52785T>C, p.Tyr17595= (NM_001256850.1).
Identifiers: ClinVar variation 3463954 (VCV003463954.2).

ClinVar aggregate classification (germline): Likely benign. Review status: criteria provided, multiple submitters, no conflicts (2 of 4 stars). 2 submissions from 2 submitters: Likely benign (2). Last evaluated 2026-08-20.

Conditions:
TTN-related disorder. Also called: TTN-related condition; TTN-related disease; TTN-related disorders.
Cardiovascular phenotype. Identifiers: MedGen CN230736.

Submissions (2):

PreventionGenetics, part of Exact Sciences
Classification: Likely benign for TTN-related condition. Last evaluated: 2026-08-20. Review status: criteria provided, single submitter. Criteria: ACMG Guidelines, 2015. Collection method: clinical testing. Allele origin: germline.
Comment: This variant is classified as likely benign based on ACMG/AMP sequence variant interpretation guidelines (Richards et al. 2015 PMID: 25741868, with internal and published modifications).

Ambry Genetics
Classification: Likely benign for Cardiovascular phenotype. Last evaluated: 2024-10-22. Review status: criteria provided, single submitter. Criteria: Ambry Variant Classification Scheme 2023. Collection method: clinical testing. Allele origin: germline.